The following is an entry in ClinVar:

NM_001003699.4(RREB1):c.5170_5172dup (p.Pro1724_Ala1725insPro)

Gene: RREB1 (ras responsive element binding protein 1; plus strand). Cytogenetic location: 6p24.3.
Variant type: Duplication.
Coding change: c.5170_5172dup on transcript NM_001003699.4 (MANE Select); coding-DNA positions 5170 to 5172, 3 bases duplicated (CCT; older notation c.5170_5172dupCCT).
Protein change: p.Pro1724_Ala1725insPro.
Molecular consequence: inframe insertion.
Genome position (GRCh38, 1-based): chr6:7,248,909-7,248,911, CCT duplicated. VCF-style (leftmost placement, unchanged base first): chr6-7248908-G-GCCT. GRCh37 (hg19) VCF-style: chr6-7249141-G-GCCT.
Other names: c.5005_5007dup, p.Pro1669_Ala1670insPro (NM_001003698.4, NM_001168344.2); c.4372_4374dup, p.Pro1458_Ala1459insPro (NM_001003700.2).
Identifiers: ClinVar variation 4976262 (VCV004976262.1).
Genomic context (GRCh38, chr6:7,248,908, plus strand): 5'-CCTTAACCCAGAGAGCCCGGCGGCCCTGGGGCAGGACCTGCTGGAGCCGCGCAGCAAGAG[G>GCCT]CCTGCCCACCCAATCCTGGCCACAGCTGATGGCGCCTCCCAGCTCGTGGGGATGGAGTGA-3'

ClinVar aggregate classification (germline): Uncertain significance (1 of 4 stars; one submission).

Submission:

GeneDx
Classification: Uncertain significance. Last evaluated: 2026-02-04. Review status: criteria provided, single submitter. Criteria: GeneDx Variant Classification Process June 2021. Collection method: clinical testing. Allele origin: germline.
Comment: In-frame duplication of 1 amino acid in a non-repeat region; Has not been previously published as pathogenic or benign to our knowledge; Not observed at significant frequency in large population cohorts (gnomAD)